The following is an entry in ClinVar:

ClinVar aggregate classification (germline): Uncertain significance. Review status: criteria provided, multiple submitters, no conflicts (2 of 4 stars). 5 submissions from 5 submitters: Uncertain significance (5). Last evaluated 2025-07-15.

Conditions:
Hereditary cancer-predisposing syndrome. Also called: Neoplastic Syndromes, Hereditary; Tumor predisposition; Hereditary Cancer Syndrome; Hereditary neoplastic syndrome. Identifiers: Orphanet 140162, MedGen C0027672, MeSH D009386, MONDO:0015356.
Familial cancer of breast. Also called: BREAST CANCER, FAMILIAL; hereditary breast carcinoma; Hereditary breast cancer. Identifiers: Orphanet 227535, MedGen C0346153, MONDO:0016419, OMIM 114480. Disease mechanism: loss of function.

Allele frequency attached by ClinVar (database versions not stated): TOPMed 0.00001.
gnomAD v4.1: 7 of 1,595,976 alleles (0.00044%); highest among the groups gnomAD compares: Middle Eastern, 0.023%; no homozygotes.

Submissions (5):

Ambry Genetics
Classification: Uncertain significance for Hereditary cancer-predisposing syndrome. Last evaluated: 2025-07-15. Review status: criteria provided, single submitter. Criteria: Ambry Variant Classification Scheme 2023. Collection method: clinical testing. Allele origin: germline.
Comment: The p.R474S variant (also known as c.1420C>A), located in coding exon 12 of the CHEK2 gene, results from a C to A substitution at nucleotide position 1420. The arginine at codon 474 is replaced by serine, an amino acid with dissimilar properties. In one small case-control study, this alteration was detected in 1/104 BRCA1/2-negative breast cancer cases and not in 101 controls (Aloraifi F et al. FEBS J. 2015 Sep;282(17):3424-37). Structural analysis indicates that this variant eliminates a conserved salt bridge between the core kinase domain and the activation loop, which is highly conserved and shown to be critical for stability and function of Ser/Thr kinases (Cai Z et al. Mol Cell, 2009 Sep;35:818-29; Yang J et al. J Mol Biol, 2012 Jan;415:666-79). This amino acid position is highly conserved in available vertebrate species. In addition, this alteration is predicted to be deleterious by in silico analysis. Based on the available evidence, the clinical significance of this variant remains unclear.

Center for Genomic Medicine, Rigshospitalet, Copenhagen University Hospital
Classification: Uncertain significance. Last evaluated: 2025-03-04. Review status: criteria provided, single submitter. Criteria: ACMG Guidelines, 2015. Collection method: clinical testing. Allele origin: germline.

Labcorp Genetics (formerly Invitae), Labcorp
Classification: Uncertain significance for Familial cancer of breast. Last evaluated: 2024-12-07. Review status: criteria provided, single submitter. Criteria: Invitae Variant Classification Sherloc (09022015). Collection method: clinical testing. Allele origin: germline.
Comment: This sequence change replaces arginine, which is basic and polar, with serine, which is neutral and polar, at codon 474 of the CHEK2 protein (p.Arg474Ser). This variant is not present in population databases (gnomAD no frequency). This missense change has been observed in individual(s) with breast cancer (PMID: 26094658). This variant is also known as c.1549G>T, p.Arg517Ser. ClinVar contains an entry for this variant (Variation ID: 231943). An algorithm developed to predict the effect of missense changes on protein structure and function (PolyPhen-2) suggests that this variant is likely to be disruptive. In summary, the available evidence is currently insufficient to determine the role of this variant in disease. Therefore, it has been classified as a Variant of Uncertain Significance.

Color Diagnostics, LLC DBA Color Health
Classification: Uncertain significance for Hereditary cancer-predisposing syndrome. Last evaluated: 2022-05-05. Review status: criteria provided, single submitter. Criteria: ACMG Guidelines, 2015. Collection method: clinical testing. Allele origin: germline.
Comment: This missense variant replaces arginine with serine at codon 474 of the CHEK2 protein. This variant impacts a highly conserved arginine in the kinase domain of the protein (PMID: 15060014, 19782031). Computational prediction suggests that this variant may have deleterious impact on protein structure and function (internally defined REVEL score threshold >= 0.7, PMID: 27666373). To our knowledge, functional studies have not been reported for this variant. This variant has been reported in an individual affected with familial breast cancer (PMID: 26094658) and also in a breast cancer case-control meta-analysis in 1/60466 cases and 0/53461 unaffected individuals (PMID: 33471991; Leiden Open Variation Database DB-ID CHEK2_000303). This variant has not been identified in the general population by the Genome Aggregation Database (gnomAD). The available evidence is insufficient to determine the role of this variant in disease conclusively. Therefore, this variant is classified as a Variant of Uncertain Significance.

GeneDx
Classification: Uncertain significance. Last evaluated: 2016-02-11. Review status: criteria provided, single submitter. Criteria: GeneDx Variant Classification (06012015). Collection method: clinical testing. Allele origin: germline. Affected: yes.
Comment: This variant is denoted CHEK2 c.1420C>A at the cDNA level, p.Arg474Ser (R474S) at the protein level, and results in the change of an Arginine to a Serine (CGT>AGT). This variant has not, to our knowledge, been published in the literature as pathogenic or benign. CHEK2 Arg474Ser was not observed in approximately 6,500 individuals of European and African American ancestry in the NHLBI Exome Sequencing Project, suggesting it is not a common benign variant in these populations. Since Arginine and Serine differ in some properties, this is considered a semi-conservative amino acid substitution. CHEK2 Arg474Ser occurs at a position that is conserved across species and is located in the kinase domain (Desrichard 2011, Roeb 2012). In silico analyses predict that this variant is probably damaging to protein structure and function. Based on currently available evidence, it is unclear whether CHEK2 Arg474Ser is a pathogenic or benign variant. We consider it to be a variant of uncertain significance.

Literature cited by the submitters: PubMed 19782031 (cited by Ambry Genetics and Color Diagnostics, LLC DBA Color Health); PubMed 22138346 (cited by Ambry Genetics); PubMed 26094658 (cited by 3 submitters); PubMed 30426508 (cited by Center for Genomic Medicine, Rigshospitalet, Copenhagen University Hospital); PubMed 30851065 (cited by Center for Genomic Medicine, Rigshospitalet, Copenhagen University Hospital); PubMed 15060014 (cited by Color Diagnostics, LLC DBA Color Health); PubMed 33471991 (cited by Color Diagnostics, LLC DBA Color Health).

NM_007194.4(CHEK2):c.1420C>A (p.Arg474Ser)

Gene: CHEK2 (checkpoint kinase 2; minus strand). Cytogenetic location: 22q12.1.
Variant type: single nucleotide variant.
Coding change: c.1420C>A on transcript NM_007194.4 (MANE Select); coding-DNA position 1420, C replaced by A.
Protein change: p.Arg474Ser; replaces arginine 474 with serine.
Molecular consequence: missense variant.
Genome position (GRCh38, 1-based): chr22:28,694,073, G>T on the plus strand (C>A on the coding strand, the complement: CHEK2 is on the minus strand). VCF-style: chr22-28694073-G-T. GRCh37 (hg19) VCF-style: chr22-29090061-G-T.
Other names: c.1549C>A, p.Arg517Ser (NM_001005735.3); c.757C>A, p.Arg253Ser (NM_001257387.3); c.1219C>A, p.Arg407Ser (NM_001349956.3); c.1333C>A, p.Arg445Ser (NM_145862.3); short protein forms R474S, R517S, R253S, R407S, R445S.
Identifiers: ClinVar variation 231943 (VCV000231943.21), dbSNP rs540635787, ClinGen allele CA10577632.
Genomic context (GRCh38, chr22:28,694,073, plus strand): 5'-GGCACTGTCCCACACCCACCTGAAGCCACGGGTGTCTTAAGGCTTCTTCTGTCGTAAAAC[G>T]TGCCTTTGGATCCACTACCAACAACTTCTTGACAAGGTCCAGAGCTAAAGCAACAATTGG-3'
Protein context (NP_009125.1, residues 464-484): KKLLVVDPKA[Arg474Ser]FTTEEALRHP